The following is an entry in ClinVar:

NM_001323289.2(CDKL5):c.99+34A>G

Gene: CDKL5 (cyclin dependent kinase like 5; plus strand). Cytogenetic location: Xp22.13.
Variant type: single nucleotide variant.
Coding change: c.99+34A>G on transcript NM_001323289.2 (MANE Select); 34 bases into the intron after coding-DNA position 99, A replaced by G.
Molecular consequence: intron variant.
Genome position (GRCh38, 1-based): chrX:18,510,888, A>G. VCF-style: chrX-18510888-A-G. GRCh37 (hg19) VCF-style: chrX-18529008-A-G.
Other names: c.99+34A>G (NM_003159.3, NM_001037343.2).
Identifiers: ClinVar variation 189542 (VCV000189542.27), dbSNP rs137874941, ClinGen allele CA199356.
Genomic context (GRCh38, chrX:18,510,888, plus strand): 5'-GGAGTTGTACTTAAATGCAGACACAAGGCAAGTACATTATTTTTAAAAAGAAATATCTGT[A>G]TATGTTTAACTGTTTTGAAACTAATGTAGTGGTCTTTGCGTGTGGGCATGTACAGGTTGA-3'

ClinVar aggregate classification (germline): Benign/Likely benign. Review status: criteria provided, multiple submitters, no conflicts (2 of 4 stars). 3 submissions from 3 submitters: Benign (1); Likely benign (1). 1 of the submissions does not count toward it. Last evaluated 2024-07-11.

Conditions:
CDKL5 disorder. Identifiers: MedGen CN296942, MONDO:0100039.

Allele frequency attached by ClinVar (database versions not stated): gnomAD exomes 0.00012 and 0.00022; ExAC 0.00022; 1000 Genomes Project 0.00053; 1000 Genomes Project 30x 0.00062; gnomAD 0.00065 and 0.00069; TOPMed 0.00070; ESP Exome Variant Server 0.00114.
gnomAD v4.1: 183 of 1,035,356 alleles (0.018%); highest among the groups gnomAD compares: African/African-American, 0.22%; no homozygotes.

Submissions (3):

Centre for Population Genomics, CPG
Classification: Benign for CDKL5 disorder. Last evaluated: 2024-07-11. Review status: criteria provided, single submitter. Criteria: McKnight et al. (Hum Mutat. 2022). Collection method: curation. Allele origin: germline. Inheritance: X-linked inheritance.
Comment: This variant has been collected from RettBASE and curated to current modified ACMG/AMP criteria. Based on the classification scheme defined by the ClinGen Rett/Angelman-like Expert Panel for Rett/AS-like Disorders Specifications to the ACMG/AMP Variant Interpretation Guidelines VCEP 3.0, this variant is classified as benign. At least the following criteria are met: met The allele frequency of this variant in at least one population in gnomAD is higher than the 0.03% threshold defined by the ClinGen Rett/Angelman-like Expert Panel for Rett/AS-like Disorders VCEP 3.0 (BA1).

CeGaT Center for Human Genetics Tuebingen
Classification: Likely benign. Last evaluated: 2023-01-01. Review status: criteria provided, single submitter. Criteria: CeGaT Center For Human Genetics Tuebingen Variant Classification Criteria Version 2. Collection method: clinical testing. Allele origin: germline. Affected: yes. Observed: 1 variant allele.
Comment: CDKL5: BS2

RettBASE
Classification: Benign. Last evaluated: 2014-05-09. Review status: no assertion criteria provided. Collection method: curation. Allele origin: maternal, unknown. Observed: 2 variant alleles. Not counted in ClinVar's aggregate classification.

Literature cited by the submitters: PubMed 23064044 (cited by RettBASE).